The following is an entry in ClinVar:

NM_024753.5(TTC21B):c.3890C>T (p.Pro1297Leu)

Gene: TTC21B (tetratricopeptide repeat domain 21B; minus strand). Cytogenetic location: 2q24.3.
Variant type: single nucleotide variant.
Coding change: c.3890C>T on transcript NM_024753.5 (MANE Select); coding-DNA position 3890, C replaced by T.
Protein change: p.Pro1297Leu; replaces proline 1297 with leucine.
Molecular consequence: missense variant.
Genome position (GRCh38, 1-based): chr2:165,874,816, G>A on the plus strand (C>T on the coding strand, the complement: TTC21B is on the minus strand). VCF-style: chr2-165874816-G-A. GRCh37 (hg19) VCF-style: chr2-166731326-G-A.
Other names: short protein forms P1297L.
Identifiers: ClinVar variation 4997448 (VCV004997448.1).

ClinVar aggregate classification (germline): Uncertain significance (1 of 4 stars; one submission).

Conditions:
TTC21B-related disorder. Also called: TTC21B-related disorders; TTC21B-related condition.

gnomAD v4.1: 1 of 1,613,618 alleles (0.000062%); highest among the groups gnomAD compares: Non-Finnish European, 0.000085%; no homozygotes.

Submission:

PreventionGenetics, part of Exact Sciences
Classification: Uncertain significance for TTC21B-related condition. Last evaluated: 2025-04-13. Review status: criteria provided, single submitter. Criteria: ACMG Guidelines, 2015. Collection method: clinical testing. Allele origin: germline.
Comment: The TTC21B c.3890C>T variant is predicted to result in the amino acid substitution p.Pro1297Leu. To our knowledge, this variant has not been reported in the literature or in a large population database (gnomAD), indicating this variant is rare. At this time, the clinical significance of this variant is uncertain due to the absence of conclusive functional and genetic evidence.